The following is an entry in ClinVar:

NM_000760.4(CSF3R):c.2117C>T (p.Pro706Leu)

Gene: CSF3R (colony stimulating factor 3 receptor; minus strand). Cytogenetic location: 1p34.3.
Variant type: single nucleotide variant.
Coding change: c.2117C>T on transcript NM_000760.4 (MANE Select); coding-DNA position 2117, C replaced by T.
Protein change: p.Pro706Leu; replaces proline 706 with leucine.
Molecular consequence: missense variant.
Genome position (GRCh38, 1-based): chr1:36,466,751, G>A on the plus strand (C>T on the coding strand, the complement: CSF3R is on the minus strand). VCF-style: chr1-36466751-G-A. GRCh37 (hg19) VCF-style: chr1-36932352-G-A.
Other names: c.2198C>T, p.Pro733Leu (NM_156039.3); c.2117C>T, p.Pro706Leu (NM_172313.3); c.2117C>T (NM_000760.3); short protein forms P706L, P733L.
Identifiers: ClinVar variation 1037231 (VCV001037231.9), dbSNP rs776535279, ClinGen allele CA768949.
Genomic context (GRCh38, chr1:36,466,751, plus strand): 5'-GTCTGGACCAGAGTGGGGAGGCCACAGGTCTCTGAGCTGTTATGGGACTCCCAGGGCACC[G>A]GCTTCTTTTCATCCTCCTCCAGCACTGTGAGCTTGGTGATGGGTGGCGTGCCAAGGCCGG-3'
Protein context (NP_000751.1, residues 696-716): LTVLEEDEKK[Pro706Leu]VPWESHNSSE

ClinVar aggregate classification (germline): Uncertain significance. Review status: criteria provided, multiple submitters, no conflicts (2 of 4 stars). 2 submissions from 2 submitters: Uncertain significance (2). Last evaluated 2021-07-14.

Conditions:
Autosomal recessive severe congenital neutropenia due to CSF3R deficiency. Also called: Neutropenia, severe congenital, 7, autosomal recessive. Identifiers: Orphanet 420702, MedGen C4310764, MONDO:0014865, OMIM 617014.
Inborn genetic diseases. Identifiers: MedGen C0950123, MeSH D030342.

Allele frequency attached by ClinVar (database versions not stated): gnomAD 0.00001; gnomAD exomes 0.00001 and 0.00003; TOPMed 0.00001; ExAC 0.00002.
gnomAD v4.1: 13 of 1,614,082 alleles (0.00081%); highest among the groups gnomAD compares: Admixed American, 0.01%; no homozygotes.

Submissions (2):

Ambry Genetics
Classification: Uncertain significance for Inborn genetic diseases. Last evaluated: 2021-07-14. Review status: criteria provided, single submitter. Criteria: Ambry Variant Classification Scheme 2023. Collection method: clinical testing. Allele origin: germline.

Labcorp Genetics (formerly Invitae), Labcorp
Classification: Uncertain significance for Autosomal recessive severe congenital neutropenia due to CSF3R deficiency. Last evaluated: 2020-05-20. Review status: criteria provided, single submitter. Criteria: Invitae Variant Classification Sherloc (09022015). Collection method: clinical testing. Allele origin: germline.
Comment: In summary, the available evidence is currently insufficient to determine the role of this variant in disease. Therefore, it has been classified as a Variant of Uncertain Significance. Algorithms developed to predict the effect of missense changes on protein structure and function output the following: SIFT: "Tolerated"; PolyPhen-2: "Benign"; Align-GVGD: "Class C0". The leucine amino acid residue is found in multiple mammalian species, suggesting that this missense change does not adversely affect protein function. These predictions have not been confirmed by published functional studies and their clinical significance is uncertain. This variant has not been reported in the literature in individuals with CSF3R-related conditions. This variant is present in population databases (rs776535279, ExAC 0.02%). This sequence change replaces proline with leucine at codon 706 of the CSF3R protein (p.Pro706Leu). The proline residue is moderately conserved and there is a moderate physicochemical difference between proline and leucine.